The following is an entry in ClinVar:

ClinVar aggregate classification (germline): Uncertain significance. Review status: criteria provided, multiple submitters, no conflicts (2 of 4 stars). 2 submissions from 2 submitters: Uncertain significance (2). Last evaluated 2026-04-13.

Conditions:
Hereditary cancer-predisposing syndrome. Also called: Tumor predisposition; Neoplastic Syndromes, Hereditary; Hereditary Cancer Syndrome; Hereditary neoplastic syndrome. Identifiers: Orphanet 140162, MedGen C0027672, MeSH D009386, MONDO:0015356.
Gorlin syndrome. Also called: Basal cell nevus syndrome; Nevoid Basal Cell Carcinoma Syndrome. Identifiers: Orphanet 377, MedGen C0004779, MONDO:0007187.
Medulloblastoma (MDB). Also called: Medulloblastoma, somatic; MEDULLOBLASTOMA PREDISPOSITION SYNDROME. Identifiers: Orphanet 616, MedGen C0025149, MeSH D008527, MONDO:0007959, OMIM 155255, HP:0002885.

Allele frequency attached by ClinVar (database versions not stated): gnomAD exomes below 0.00001.
gnomAD v4.1: 2 of 1,614,208 alleles (0.00012%); highest among the groups gnomAD compares: Non-Finnish European, 0.00017%; no homozygotes.

Submissions (2):

Ambry Genetics
Classification: Uncertain significance for Hereditary cancer-predisposing syndrome. Last evaluated: 2026-04-13. Review status: criteria provided, single submitter. Criteria: Ambry Variant Classification Scheme 2023. Collection method: clinical testing. Allele origin: germline.
Comment: The p.Q142R variant (also known as c.425A>G), located in coding exon 3 of the SUFU gene, results from an A to G substitution at nucleotide position 425. The glutamine at codon 142 is replaced by arginine, an amino acid with highly similar properties. This amino acid position is conserved. In addition, this alteration is predicted to be deleterious by in silico analysis. Based on the available evidence, the clinical significance of this variant remains unclear.

Labcorp Genetics (formerly Invitae), Labcorp
Classification: Uncertain significance for Gorlin syndrome; Medulloblastoma. Last evaluated: 2022-02-10. Review status: criteria provided, single submitter. Criteria: Invitae Variant Classification Sherloc (09022015). Collection method: clinical testing. Allele origin: germline.
Comment: In summary, the available evidence is currently insufficient to determine the role of this variant in disease. Therefore, it has been classified as a Variant of Uncertain Significance. Algorithms developed to predict the effect of missense changes on protein structure and function (SIFT, PolyPhen-2, Align-GVGD) all suggest that this variant is likely to be disruptive. This variant has not been reported in the literature in individuals affected with SUFU-related conditions. This variant is not present in population databases (gnomAD no frequency). This sequence change replaces glutamine, which is neutral and polar, with arginine, which is basic and polar, at codon 142 of the SUFU protein (p.Gln142Arg).

NM_016169.4(SUFU):c.425A>G (p.Gln142Arg)

Gene: SUFU (SUFU negative regulator of hedgehog signaling; plus strand). Cytogenetic location: 10q24.32.
Variant type: single nucleotide variant.
Coding change: c.425A>G on transcript NM_016169.4 (MANE Select); coding-DNA position 425, A replaced by G.
Protein change: p.Gln142Arg; replaces glutamine 142 with arginine.
Molecular consequence: missense variant.
Genome position (GRCh38, 1-based): chr10:102,550,077, A>G. VCF-style: chr10-102550077-A-G. GRCh37 (hg19) VCF-style: chr10-104309834-A-G.
Other names: c.425A>G, p.Gln142Arg (NM_001178133.2); c.425A>G (NM_016169.3); short protein forms Q142R.
Identifiers: ClinVar variation 1501474 (VCV001501474.7), dbSNP rs2135743469, ClinGen allele CA377903579.